The following is an entry in ClinVar:

ClinVar aggregate classification (germline): Conflicting classifications of pathogenicity. Review status: criteria provided, conflicting classifications (1 of 4 stars). 8 submissions from 8 submitters: Uncertain significance (5); Likely benign (1). 2 of the submissions do not count toward it. Last evaluated 2025-01-23.

Conditions:
Inborn genetic diseases. Identifiers: MedGen C0950123, MeSH D030342.
SLC37A4-related disorder. Also called: SLC37A4-related condition.
Congenital disorder of glycosylation, type IIw. Identifiers: MedGen C5561986, MONDO:0030437, OMIM 619525.
Phosphate transport defect (GSD1C). Also called: GLYCOGEN STORAGE DISEASE Ic; GSD Ic. Identifiers: Orphanet 364, Orphanet 79259, MedGen C0342749, OMIM 232240.
Glucose-6-phosphate transport defect (GSD1B). Also called: Glycogen Storage Disease Type Ib; GSD Ib. Identifiers: Orphanet 364, Orphanet 79259, MedGen C0268146, MONDO:0009288, OMIM 232220.

Allele frequency attached by ClinVar (database versions not stated): TOPMed 0.00063; 1000 Genomes Project 30x 0.00031.

Submissions (8):

Labcorp Genetics (formerly Invitae), Labcorp
Classification: Uncertain significance for Glucose-6-phosphate transport defect. Last evaluated: 2025-01-23. Review status: criteria provided, single submitter. Criteria: Invitae Variant Classification Sherloc (09022015). Collection method: clinical testing. Allele origin: germline.
Comment: This sequence change replaces alanine, which is neutral and non-polar, with glycine, which is neutral and non-polar, at codon 291 of the SLC37A4 protein (p.Ala291Gly). This variant is present in population databases (rs200147602, gnomAD 0.2%). This variant has not been reported in the literature in individuals affected with SLC37A4-related conditions. ClinVar contains an entry for this variant (Variation ID: 969047). Experimental studies and prediction algorithms are not available or were not evaluated, and the functional significance of this variant is currently unknown. In summary, the available evidence is currently insufficient to determine the role of this variant in disease. Therefore, it has been classified as a Variant of Uncertain Significance.

ARUP Laboratories, Molecular Genetics and Genomics, ARUP Laboratories
Classification: Likely benign. Last evaluated: 2024-10-21. Review status: criteria provided, single submitter. Criteria: ARUP Molecular Germline Variant Investigation Process 2024. Collection method: clinical testing. Allele origin: germline.

Blueprint Genetics
Classification: Uncertain significance. Last evaluated: 2024-08-15. Review status: criteria provided, single submitter. Criteria: ACMG Guidelines, 2015. Collection method: clinical testing. Allele origin: germline.

Fulgent Genetics
Classification: Uncertain significance for Glucose-6-phosphate transport defect; Phosphate transport defect; Congenital disorder of glycosylation, type IIw. Last evaluated: 2024-05-18. Review status: criteria provided, single submitter. Criteria: ACMG Guidelines, 2015. Collection method: clinical testing. Allele origin: germline.

GeneDx
Classification: Uncertain significance. Last evaluated: 2023-01-31. Review status: criteria provided, single submitter. Criteria: GeneDx Variant Classification Process June 2021. Collection method: clinical testing. Allele origin: germline. Affected: yes.
Comment: In silico analysis supports that this missense variant does not alter protein structure/function; Has not been previously published as pathogenic or benign to our knowledge

Ambry Genetics
Classification: Uncertain significance for Inborn genetic diseases. Last evaluated: 2022-11-07. Review status: criteria provided, single submitter. Criteria: Ambry Variant Classification Scheme 2023. Collection method: clinical testing. Allele origin: germline.
Comment: The p.A291G variant (also known as c.872C>G), located in coding exon 6 of the SLC37A4 gene, results from a C to G substitution at nucleotide position 872. The alanine at codon 291 is replaced by glycine, an amino acid with similar properties. This amino acid position is conserved. In addition, this alteration is predicted to be tolerated by in silico analysis. Since supporting evidence is limited at this time, the clinical significance of this alteration remains unclear.

PreventionGenetics, part of Exact Sciences
Classification: Likely benign for SLC37A4-related condition. Last evaluated: 2024-06-25. Review status: no assertion criteria provided. Collection method: clinical testing. Allele origin: germline. Not counted in ClinVar's aggregate classification.
Comment: This variant is classified as likely benign based on ACMG/AMP sequence variant interpretation guidelines (Richards et al. 2015 PMID: 25741868, with internal and published modifications).

Natera, Inc.
Classification: Uncertain significance for Glycogen storage disease type Ib. Last evaluated: 2019-11-17. Review status: no assertion criteria provided. Collection method: clinical testing. Allele origin: germline. Not counted in ClinVar's aggregate classification.

NM_001164277.2(SLC37A4):c.872C>G (p.Ala291Gly)

Gene: SLC37A4 (solute carrier family 37 member 4; minus strand). Cytogenetic location: 11q23.3.
Variant type: single nucleotide variant.
Coding change: c.872C>G on transcript NM_001164277.2 (MANE Select); coding-DNA position 872, C replaced by G.
Protein change: p.Ala291Gly; replaces alanine 291 with glycine.
Molecular consequence: missense variant.
Genome position (GRCh38, 1-based): chr11:119,026,079, G>C on the plus strand (C>G on the coding strand, the complement: SLC37A4 is on the minus strand). VCF-style: chr11-119026079-G-C. GRCh37 (hg19) VCF-style: chr11-118896789-G-C.
Other names: c.872C>G, p.Ala291Gly (NM_001164278.2, NM_001164280.2, NM_001467.6); c.653C>G, p.Ala218Gly (NM_001164279.2); c.872C>G (NM_001467.5); short protein forms A218G, A291G.
Identifiers: ClinVar variation 969047 (VCV000969047.15), dbSNP rs200147602, ClinGen allele CA6311695.